The following is an entry in ClinVar:

ClinVar aggregate classification (germline): Uncertain significance (1 of 4 stars; one submission).

Allele frequency attached by ClinVar (database versions not stated): ExAC 0.00001.
gnomAD v4.1: 4 of 1,613,810 alleles (0.00025%); highest among the groups gnomAD compares: East Asian, 0.0022%; no homozygotes.

Submission:

Labcorp Genetics (formerly Invitae), Labcorp
Classification: Uncertain significance. Last evaluated: 2023-10-02. Review status: criteria provided, single submitter. Criteria: Invitae Variant Classification Sherloc (09022015). Collection method: clinical testing. Allele origin: germline.
Comment: This sequence change replaces arginine, which is basic and polar, with cysteine, which is neutral and slightly polar, at codon 2515 of the TRRAP protein (p.Arg2515Cys). This variant is present in population databases (rs779095601, gnomAD 0.006%). This variant has not been reported in the literature in individuals affected with TRRAP-related conditions. This missense change has been observed in at least one individual who was not affected with TRRAP-related conditions (Invitae). Advanced modeling of protein sequence and biophysical properties (such as structural, functional, and spatial information, amino acid conservation, physicochemical variation, residue mobility, and thermodynamic stability) performed at Invitae indicates that this missense variant is expected to disrupt TRRAP protein function. In summary, the available evidence is currently insufficient to determine the role of this variant in disease. Therefore, it has been classified as a Variant of Uncertain Significance.

NM_001375524.1(TRRAP):c.7618C>T (p.Arg2540Cys)

Gene: TRRAP (transformation/transcription domain associated protein; plus strand). Cytogenetic location: 7q22.1.
Variant type: single nucleotide variant.
Coding change: c.7618C>T on transcript NM_001375524.1 (MANE Select); coding-DNA position 7618, C replaced by T.
Protein change: p.Arg2540Cys; replaces arginine 2540 with cysteine.
Molecular consequence: missense variant.
Genome position (GRCh38, 1-based): chr7:98,970,217, C>T. VCF-style: chr7-98970217-C-T. GRCh37 (hg19) VCF-style: chr7-98567840-C-T.
Other names: c.7597C>T, p.Arg2533Cys (NM_001244580.2); c.7543C>T, p.Arg2515Cys (NM_003496.4); short protein forms R2515C, R2533C, R2540C.
Identifiers: ClinVar variation 2757898 (VCV002757898.3), dbSNP rs779095601, ClinGen allele CA4361197.